The following is an entry in ClinVar:

ClinVar aggregate classification (germline): Uncertain significance (1 of 4 stars; one submission).

Conditions:
Autosomal recessive limb-girdle muscular dystrophy type 2O. Also called: Limb-Girdle Muscular Dystrophy Type 3C; MUSCULAR DYSTROPHY-DYSTROGLYCANOPATHY (LIMB-GIRDLE), TYPE C, 3; MUSCULAR DYSTROPHY-DYSTROGLYCANOPATHY, LIMB-GIRDLE, POMGNT1-RELATED. Identifiers: Orphanet 206564, MedGen C3150417, MONDO:0013161, OMIM 613157.
Muscular dystrophy-dystroglycanopathy (congenital with impaired intellectual development), type B, 3. Also called: Muscular dystrophy-dystroglycanopathy (congenital with intellectual disability), type B3; MUSCULAR DYSTROPHY, CONGENITAL, POMGNT1-RELATED. Identifiers: MedGen C3150412, MONDO:0013155, OMIM 613151.

Submission:

Labcorp Genetics (formerly Invitae), Labcorp
Classification: Uncertain significance for Limb-girdle muscular dystrophy-dystroglycanopathy, type C3; Congenital muscular dystrophy-dystroglycanopathy with mental retardation, type B3. Last evaluated: 2018-07-30. Review status: criteria provided, single submitter. Criteria: Invitae Variant Classification Sherloc (09022015). Collection method: clinical testing. Allele origin: germline.
Comment: This variant results in a copy number gain of the genomic region encompassing the full coding sequence of the POMGNT1 gene. The boundaries of this event are unknown as they extend beyond the assayed region for this gene and therefore may encompass additional genes. As the precise location of this event is unknown, it may be in tandem or it may be located elsewhere in the genome. This variant has not been reported in the literature in individuals with POMGNT1-related disease. In summary, the available evidence is currently insufficient to determine the role of this variant in disease. Therefore, it has been classified as a Variant of Uncertain Significance.

NC_000001.10:g.(?_46654371)_(46663513_?)dup

Genes: POMGNT1 (protein O-linked mannose N-acetylglucosaminyltransferase 1 (beta 1,2-); minus strand), TSPAN1 (tetraspanin 1; plus strand). Cytogenetic location: 1p34.1.
Variant type: Duplication.
Identifiers: ClinVar variation 471397 (VCV000471397.2).